The following is an entry in ClinVar:

NM_002150.3(HPD):c.338G>A (p.Arg113Gln)

Genes: HPD (4-hydroxyphenylpyruvate dioxygenase; minus strand), TIALD (transcript inducer of AURKA lysosomal degradation; plus strand). Cytogenetic location: 12q24.31.
Variant type: single nucleotide variant.
Coding change: c.338G>A on transcript NM_002150.3 (MANE Select); coding-DNA position 338, G replaced by A.
Protein change: p.Arg113Gln; replaces arginine 113 with glutamine.
Molecular consequence: missense variant.
Genome position (GRCh38, 1-based): chr12:121,854,779, C>T on the plus strand (G>A on the coding strand, the complement: HPD is on the minus strand). VCF-style: chr12-121854779-C-T. GRCh37 (hg19) VCF-style: chr12-122292685-C-T.
Other names: c.221G>A, p.Arg74Gln (NM_001171993.2); short protein forms R113Q, R74Q.
Identifiers: ClinVar variation 307486 (VCV000307486.18), dbSNP rs11833399, ClinGen allele CA6839695.

ClinVar aggregate classification (germline): Benign. Review status: criteria provided, multiple submitters, no conflicts (2 of 4 stars). 5 submissions from 4 submitters: Benign (5). Last evaluated 2026-02-04.

Conditions:
Hawkinsinuria. Identifiers: Orphanet 2118, MedGen C2931042, MONDO:0007700, OMIM 140350, HP:0034457.
Tyrosinemia type III. Also called: Tyrosinemia type 3; 4-alpha hydroxyphenylpyruvic acid oxidase deficiency; 4-alpha hydroxyphenylpyruvate dioxygenase deficiency; 4-Hydroxyphenylpyruvate dioxygenase deficiency; 4-HYDROXYPHENYLPYRUVIC ACID OXIDASE DEFICIENCY. Identifiers: Orphanet 69723, MedGen C0268623, MONDO:0010162, OMIM 276710.

Allele frequency attached by ClinVar (database versions not stated): gnomAD exomes 0.00285 and 0.00712; ExAC 0.00860; gnomAD 0.02144 and 0.02263; ESP Exome Variant Server 0.02445; TOPMed 0.02456; 1000 Genomes Project 0.02895; 1000 Genomes Project 30x 0.03139.
gnomAD v4.1: 7,579 of 1,613,794 alleles (0.47%); highest among the groups gnomAD compares: African/African-American, 7.6%; 195 homozygotes.

Submissions (5):

Labcorp Genetics (formerly Invitae), Labcorp
Classification: Benign for Tyrosinemia type III; Hawkinsinuria. Last evaluated: 2026-02-04. Review status: criteria provided, single submitter. Criteria: Invitae Variant Classification Sherloc (09022015). Collection method: clinical testing. Allele origin: germline.

GeneDx
Classification: Benign. Last evaluated: 2020-06-11. Review status: criteria provided, single submitter. Criteria: GeneDx Variant Classification Process June 2021. Collection method: clinical testing. Allele origin: germline. Affected: yes.

Illumina Laboratory Services, Illumina
Classification: Benign for Tyrosinemia type III. Last evaluated: 2018-01-13. Review status: criteria provided, single submitter. Criteria: ICSL Variant Classification Criteria 13 December 2019. Collection method: clinical testing. Allele origin: germline.
Comment: This variant was observed in the ICSL laboratory as part of a predisposition screen in an ostensibly healthy population. It had not been previously curated by ICSL or reported in the Human Gene Mutation Database (HGMD: prior to June 1st, 2018), and was therefore a candidate for classification through an automated scoring system. Utilizing variant allele frequency, disease prevalence and penetrance estimates, and inheritance mode, an automated score was calculated to assess if this variant is too frequent to cause the disease. Based on the score and internal cut-off values, a variant classified as benign is not then subjected to further curation. The score for this variant resulted in a classification of benign for this disease.

Illumina Laboratory Services, Illumina
Classification: Benign for Hawkinsinuria. Last evaluated: 2018-01-13. Review status: criteria provided, single submitter. Criteria: ICSL Variant Classification Criteria 13 December 2019. Collection method: clinical testing. Allele origin: germline.
Comment: the same text as in the submission from Illumina Laboratory Services, Illumina above.

Breakthrough Genomics
Classification: Benign. Review status: criteria provided, single submitter. Criteria: ACMG Guidelines, 2015. Collection method: not provided. Allele origin: germline. Inheritance: Autosomal recessive inheritance. Affected: yes.